The following is an entry in ClinVar:

NM_000059.4(BRCA2):c.610del (p.Ser205fs)

Gene: BRCA2 (BRCA2 DNA repair associated; plus strand). Cytogenetic location: 13q13.1.
Variant type: Deletion.
Coding change: c.610del on transcript NM_000059.4 (MANE Select); coding-DNA position 610, one base deleted (C; older notation c.610delC).
Protein change: p.Ser205fs; shifts the reading frame from serine 205.
Molecular consequence: frameshift variant.
Genome position (GRCh38, 1-based): chr13:32,326,592, C deleted; the last of 3 consecutive C bases (chr13:32,326,590-32,326,592); deleting any one gives the same sequence. VCF-style (leftmost placement, unchanged base first): chr13-32326589-AC-A. GRCh37 (hg19) VCF-style: chr13-32900726-AC-A.
Other names: 838delC; c.610delC (NM_000059.3).
Identifiers: ClinVar variation 52015 (VCV000052015.26), dbSNP rs80359560, ClinGen allele CA023661.
Genomic context (GRCh38, chr13:32,326,589, plus strand): 5'-AGTCTAGGAGCTGAGGTGGATCCTGATATGTCTTGGTCAAGTTCTTTAGCTACACCACCC[AC>A]CCTTAGTTCTACTGTGCTCATAGGTAATAATAGCAAATGTGTATTTACAAGAAAGAGCAG-3'

ClinVar aggregate classification (germline): Pathogenic. Review status: reviewed by expert panel (3 of 4 stars). 10 submissions from 10 submitters: Pathogenic (1). 9 of the submissions do not count toward it. Last evaluated 2016-09-08.

Conditions:
Hereditary breast ovarian cancer syndrome. Also called: Hereditary breast and ovarian cancer syndrome; Hereditary breast and ovarian cancer; Hereditary breast and ovarian cancer syndrome (HBOC); Breast and ovarian cancer; Hereditary breast and/or ovarian cancer syndrome; BRCA1- and BRCA2-Associated Hereditary Breast and Ovarian Cancer. Identifiers: Orphanet 145, MedGen C0677776, MeSH D061325, MONDO:0003582. Disease mechanism: loss of function.
Malignant tumor of breast. Also called: Malignant breast neoplasm; Cancer breast. Identifiers: MedGen C0006142, MONDO:0007254. Disease mechanism: loss of function.
Hereditary cancer-predisposing syndrome. Also called: Neoplastic Syndromes, Hereditary; Tumor predisposition; Hereditary neoplastic syndrome; Hereditary Cancer Syndrome. Identifiers: Orphanet 140162, MedGen C0027672, MeSH D009386, MONDO:0015356.
Breast-ovarian cancer, familial, susceptibility to, 2 (BROVCA2). Also called: BRCA2 Hereditary Breast and Ovarian Cancer. Identifiers: Orphanet 145, MedGen C2675520, MONDO:0012933, OMIM 612555. Disease mechanism: loss of function.

Submissions (10):

Evidence-based Network for the Interpretation of Germline Mutant Alleles (ENIGMA)
Classification: Pathogenic for Breast-ovarian cancer, familial, susceptibility to, 2. Last evaluated: 2016-09-08. Review status: reviewed by expert panel. Criteria: ENIGMA BRCA1/2 Classification Criteria (2015). Collection method: curation. Allele origin: germline.
Comment: Variant allele predicted to encode a truncated non-functional protein.

Color Diagnostics, LLC DBA Color Health
Classification: Pathogenic for Hereditary cancer-predisposing syndrome. Last evaluated: 2025-06-30. Review status: criteria provided, single submitter. Criteria: ACMG Guidelines, 2015. Collection method: clinical testing. Allele origin: germline. Not counted in ClinVar's aggregate classification.
Comment: This variant deletes 1 nucleotide in exon 7 of the BRCA2 gene, creating a frameshift and premature translation stop signal. This variant is expected to result in an absent or non-functional protein product. This variant has not been identified in the general population by the Genome Aggregation Database (gnomAD). Loss of BRCA2 function is a known mechanism of disease. Based on the available evidence, this variant is classified as Pathogenic.

Labcorp Genetics (formerly Invitae), Labcorp
Classification: Pathogenic for Hereditary breast ovarian cancer syndrome. Last evaluated: 2025-02-25. Review status: criteria provided, single submitter. Criteria: Invitae Variant Classification Sherloc (09022015). Collection method: clinical testing. Allele origin: germline. Not counted in ClinVar's aggregate classification.
Comment: This sequence change creates a premature translational stop signal (p.Ser205Valfs*6) in the BRCA2 gene. It is expected to result in an absent or disrupted protein product. Loss-of-function variants in BRCA2 are known to be pathogenic (PMID: 20104584). This variant is not present in population databases (gnomAD no frequency). This premature translational stop signal has been observed in individual(s) with contralateral breast cancer (PMID: 20104584). ClinVar contains an entry for this variant (Variation ID: 52015). Algorithms developed to predict the effect of sequence changes on RNA splicing suggest that this variant may disrupt the consensus splice site. For these reasons, this variant has been classified as Pathogenic.

Quest Diagnostics Nichols Institute San Juan Capistrano
Classification: Pathogenic. Last evaluated: 2024-09-07. Review status: criteria provided, single submitter. Criteria: Quest Diagnostics criteria. Collection method: clinical testing. Allele origin: unknown. Not counted in ClinVar's aggregate classification.
Comment: The BRCA2 c.610del (p.Ser205Valfs*6) variant alters the translational reading frame of the BRCA2 mRNA and causes the premature termination of BRCA2 protein synthesis. This variant has been reported in the published literature in an individual with breast cancer (PMID: 20104584 (2010)). This variant has not been reported in large, multi-ethnic general populations (Genome Aggregation Database). Based on the available information, this variant is classified as pathogenic.

Women's Health and Genetics/Laboratory Corporation of America, LabCorp
Classification: Pathogenic for Hereditary breast ovarian cancer syndrome. Last evaluated: 2023-05-11. Review status: criteria provided, single submitter. Criteria: LabCorp Variant Classification Summary - May 2015. Collection method: clinical testing. Allele origin: germline. Not counted in ClinVar's aggregate classification.
Comment: Variant summary: BRCA2 c.610delC (p.Ser205ValfsX6) results in a premature termination codon, predicted to cause a truncation of the encoded protein or absence of the protein due to nonsense mediated decay, which are commonly known mechanisms for disease. The variant was absent in 251368 control chromosomes (gnomAD). c.610delC has been reported in the literature in at least one individual affected with Hereditary Breast And Ovarian Cancer Syndrome (e.g. Borg_2010). Experimental evidence from one publication has shown that alternative splicing of BRCA2 can restore the ORF, specifically when the variant of interest is found on a transcript missing exon 5, which typically results in a frameshift (Stauffer_2020). Since this ORF restoration necessitates the splicing of a typically degraded transcript, this result does not allow convincing conclusions about the variants effect on the risk of developing breast cancer. The following publications have been ascertained in the context of this evaluation (PMID: 20104584, 29446198, 32393813). Six ClinVar submitters, including one expert panel (ENIGMA), have assessed the variant since 2014: all six classified the variant as pathogenic. Based on the evidence outlined above, the variant was classified as pathogenic.

Ambry Genetics
Classification: Pathogenic for Hereditary cancer-predisposing syndrome. Last evaluated: 2022-12-14. Review status: criteria provided, single submitter. Criteria: Ambry Variant Classification Scheme 2023. Collection method: clinical testing. Allele origin: germline. Not counted in ClinVar's aggregate classification.
Comment: The c.610delC pathogenic mutation, located in coding exon 6 of the BRCA2 gene, results from a deletion of one nucleotide at nucleotide position 610, causing a translational frameshift with a predicted alternate stop codon (p.S205Vfs*6). This variant is considered to be rare based on population cohorts in the Genome Aggregation Database (gnomAD). In addition to the clinical data presented in the literature, this alteration is expected to result in loss of function by premature protein truncation or nonsense-mediated mRNA decay. As such, this alteration is interpreted as a disease-causing mutation.

GeneDx
Classification: Pathogenic. Last evaluated: 2022-02-17. Review status: criteria provided, single submitter. Criteria: GeneDx Variant Classification Process June 2021. Collection method: clinical testing. Allele origin: germline. Affected: yes. Not counted in ClinVar's aggregate classification.
Comment: Frameshift variant demonstrated to result in multiple isoforms that are predicted to undergo protein truncation or nonsense mediated decay in a gene for which loss-of-function is a known mechanism of disease (Stauffer 2020); Observed in an individual with breast cancer (Borg 2010); Not observed at significant frequency in large population cohorts (gnomAD); Truncating variants in this gene are considered pathogenic by a well-established clinical consortium and/or database; Also known as 838delC; This variant is associated with the following publications: (PMID: 23983145, 20104584, 32393813)

Consortium of Investigators of Modifiers of BRCA1/2 (CIMBA), c/o University of Cambridge
Classification: Pathogenic for Breast-ovarian cancer, familial, susceptibility to, 2. Last evaluated: 2015-10-02. Review status: criteria provided, single submitter. Criteria: CIMBA Mutation Classification guidelines May 2016. Collection method: clinical testing. Allele origin: germline. Not counted in ClinVar's aggregate classification.

Breast Cancer Information Core (BIC) (BRCA2)
Classification: Pathogenic for Breast-ovarian cancer, familial 2. Last evaluated: 2003-12-23. Review status: no assertion criteria provided. Collection method: clinical testing. Allele origin: germline. Affected: yes. Observed: 1 variant allele. Not counted in ClinVar's aggregate classification.

Department of Pathology and Laboratory Medicine, Sinai Health System
Classification: Pathogenic for Malignant tumor of breast. Review status: no assertion criteria provided. Collection method: clinical testing. Allele origin: unknown. Affected: yes. Observed: 1 variant allele. Study: The Canadian Open Genetics Repository (COGR). Not counted in ClinVar's aggregate classification.
Comment: The BRCA2 p.Ser205ValfsX6 variant was identified in 1 of 4206 proband chromosomes (frequency: 0.000) from individuals with breast cancer in a population based sample study (Borg, 2006). The variant was identified in dbSNP (ID: rs80359560) â€šÃ„ÃºWith pathogenic alleleâ€šÃ„Ã¹. It was also identified in HGMD, the BIC database (1X as pathogenic) and the Sharing Clinical Reports Project (SCRP) (submitted within the ClinVar database and derived from Myriad reports) 2x (1X from BIC as a pathogenic variant, and 1X by Invitae, classification not provided). The deletion variant is predicted to cause a frameshift, which alters the protein's amino acid sequence beginning at codon 205 and leads to a premature stop codon 6 codons downstream. This alteration is then predicted to result in a truncated or absent protein and loss of function. Loss of function variants of the BRCA2 gene are an established mechanism of disease in hereditary breast and ovarian cancer and is the type of variant expected to cause the disorder. In summary, based on the above information, this variant meets our laboratoryâ€šÃ„Ã´s criteria to be classified as pathogenic.

Literature cited by the submitters: PubMed 20104584 (cited by 4 submitters); PubMed 29446198 (cited by Quest Diagnostics Nichols Institute San Juan Capistrano and Women's Health and Genetics/Laboratory Corporation of America, LabCorp); PubMed 32393813 (cited by Women's Health and Genetics/Laboratory Corporation of America, LabCorp); PubMed 23983145 (cited by Ambry Genetics).